The following is an entry in ClinVar:

NM_025009.5(CEP135):c.2584del (p.Val862fs)

Gene: CEP135 (centrosomal protein 135; plus strand). Cytogenetic location: 4q12.
Variant type: Deletion.
Coding change: c.2584del on transcript NM_025009.5 (MANE Select); coding-DNA position 2584, one base deleted (G; older notation c.2584delG).
Protein change: p.Val862fs; shifts the reading frame from valine 862.
Molecular consequence: frameshift variant.
Genome position (GRCh38, 1-based): chr4:56,011,490, G deleted; the last of 2 consecutive G bases (chr4:56,011,489-56,011,490); deleting either gives the same sequence. VCF-style (leftmost placement, unchanged base first): chr4-56011488-AG-A. GRCh37 (hg19) VCF-style: chr4-56877654-AG-A.
Other names: short protein forms V862fs.
Identifiers: ClinVar variation 1423979 (VCV001423979.7), dbSNP rs1306490337, ClinGen allele CA551652295.

ClinVar aggregate classification (germline): Pathogenic. Review status: criteria provided, multiple submitters, no conflicts (2 of 4 stars). 2 submissions from 2 submitters: Pathogenic (2). Last evaluated 2025-02-16.

Submissions (2):

Laboratory of Genetics, Children's Clinical University Hospital Latvia
Classification: Pathogenic. Last evaluated: 2025-02-16. Review status: criteria provided, single submitter. Criteria: ACMG Guidelines, 2015. Collection method: clinical testing. Allele origin: germline. Affected: yes.

Labcorp Genetics (formerly Invitae), Labcorp
Classification: Pathogenic. Last evaluated: 2024-10-14. Review status: criteria provided, single submitter. Criteria: Invitae Variant Classification Sherloc (09022015). Collection method: clinical testing. Allele origin: germline.
Comment: This sequence change creates a premature translational stop signal (p.Val862Cysfs*7) in the CEP135 gene. It is expected to result in an absent or disrupted protein product. Loss-of-function variants in CEP135 are known to be pathogenic (PMID: 22521416, 26657937). This variant is present in population databases (no rsID available, gnomAD no frequency). This variant has not been reported in the literature in individuals affected with CEP135-related conditions. ClinVar contains an entry for this variant (Variation ID: 1423979). For these reasons, this variant has been classified as Pathogenic.

Literature cited by the submitters: PubMed 22521416 (cited by Labcorp Genetics (formerly Invitae), Labcorp); PubMed 26657937 (cited by Labcorp Genetics (formerly Invitae), Labcorp).